The following continues an entry in ClinVar:

NM_000053.4(ATP7B):c.2333G>A (p.Arg778Gln)

Gene: ATP7B. ClinVar aggregate classification (germline): Pathogenic. Pathogenic (17).

Submissions 7 to 18 of 18:

All of Us Research Program, National Institutes of Health
Classification: Pathogenic for Wilson disease. Last evaluated: 2024-08-06. Review status: criteria provided, single submitter. Criteria: ACMG Guidelines, 2015. Collection method: clinical testing. Allele origin: germline. Inheritance: Autosomal recessive inheritance. Observed: 7 variant alleles, 7 heterozygotes.
Comment: This missense variant replaces arginine with glutamine at codon 778 of the ATP7B protein. Computational prediction suggests that this variant may have deleterious impact on protein structure and function (internally defined REVEL score threshold >= 0.7, PMID: 27666373). Studies conducted in yeast have shown that this variant disrupted function in a complementation assay and caused temperature sensitivity (PMID: 9837819). This variant has been reported in many individuals affected with Wilson disease (PMID: 8782057, 11043508, 11405812, 17587212, 17949296, 20931554, 21796144, 23235335, 24094725, 24878384, 27022412, 28212618) and in an unaffected control (PMID: 11043508). In several of these individuals, this variant was reported in the homozygous state or compound heterozygous state with a know pathogenic variant in the same gene (PMID: 11405812, 20931554, 24878384, 27022412, 28212618). This variant has been identified in 8/249404 chromosomes in the general population by the Genome Aggregation Database (gnomAD). Based on the available evidence, this variant is classified as Pathogenic.

This study involves interpretation of variants in research participants for the purpose of population health screening. Participant phenotype was not available at the time of variant classification. Additional details can be found in publication PMID: 35346344, PMCID: PMC8962531

Fulgent Genetics
Classification: Pathogenic for Wilson disease. Last evaluated: 2024-05-02. Review status: criteria provided, single submitter. Criteria: ACMG Guidelines, 2015. Collection method: clinical testing. Allele origin: germline.

Baylor Genetics
Classification: Pathogenic for Wilson disease. Last evaluated: 2024-03-27. Review status: criteria provided, single submitter. Criteria: ACMG Guidelines, 2015. Collection method: clinical testing. Allele origin: unknown.

Mayo Clinic Laboratories, Mayo Clinic
Classification: Pathogenic. Last evaluated: 2024-03-15. Review status: criteria provided, single submitter. Criteria: ACMG Guidelines, 2015. Collection method: clinical testing. Allele origin: germline. Observed: 3 variant alleles.
Comment: PP3, PM2_moderate, PM3, PM5, PS4

CeGaT Center for Human Genetics Tuebingen
Classification: Pathogenic. Last evaluated: 2024-03-01. Review status: criteria provided, single submitter. Criteria: CeGaT Center For Human Genetics Tuebingen Variant Classification Criteria Version 2. Collection method: clinical testing. Allele origin: germline. Affected: yes. Observed: 1 variant allele.
Comment: ATP7B: PM1, PM2, PM3, PM5, PP3, PS3:Supporting

Color Diagnostics, LLC DBA Color Health
Classification: Pathogenic for Wilson disease. Last evaluated: 2023-09-15. Review status: criteria provided, single submitter. Criteria: ACMG Guidelines, 2015. Collection method: clinical testing. Allele origin: germline.
Comment: This missense variant replaces arginine with glutamine at codon 778 of the ATP7B protein. Computational prediction suggests that this variant may have deleterious impact on protein structure and function. Studies conducted in yeast have shown that this variant disrupted function in a complementation assay and caused temperature sensitivity (PMID: 9837819). This variant has been reported in many individuals affected with Wilson disease (PMID: 8782057, 11043508, 11405812, 17587212, 17949296, 20931554, 21796144, 23235335, 24094725, 24878384, 27022412, 28212618) and in an unaffected control (PMID: 11043508). In several of these individuals, this variant was reported in the homozygous state or compound heterozygous state with a know pathogenic variant in the same gene (PMID: 11405812, 20931554, 24878384, 27022412, 28212618). This variant has been identified in 8/249404 chromosomes in the general population by the Genome Aggregation Database (gnomAD). Based on the available evidence, this variant is classified as Pathogenic.

Blueprint Genetics
Classification: Pathogenic for ATP7B-related disorders. Last evaluated: 2023-03-03. Review status: criteria provided, single submitter. Criteria: ACMG Guidelines, 2015. Collection method: clinical testing. Allele origin: germline. Affected: yes. Observed: 4 variant alleles.

Genome-Nilou Lab
Classification: Pathogenic for Wilson disease. Last evaluated: 2021-08-10. Review status: criteria provided, single submitter. Criteria: ACMG Guidelines, 2015. Collection method: clinical testing. Allele origin: germline. Affected: no.

Women's Health and Genetics/Laboratory Corporation of America, LabCorp
Classification: Pathogenic for Wilson disease. Last evaluated: 2018-11-28. Review status: criteria provided, single submitter. Criteria: LabCorp Variant Classification Summary - May 2015. Collection method: clinical testing. Allele origin: germline.
Comment: Variant summary: ATP7B c.2333G>A (p.Arg778Gln) results in a conservative amino acid change in the encoded protein sequence. Four of five in-silico tools predict a damaging effect of the variant on protein function. The variant allele was found at a frequency of 3.2e-05 in 247080 control chromosomes (gnomAD and publications). c.2333G>A has been reported in the literature in multiple individuals affected with Wilson Disease (Cheng_2017, Dong_2016, Lu_2014, Mukherjee_2014, Wan_2010, Lepori_2007, Park_2007, Wu_2001, Chuang_1996). Individuals who are homozygous for the variant have been reported to present with neurological and hepato-neurological symptoms (Wan_2010). These data indicate that the variant is very likely to be associated with disease. Experimental evidence indicate a damaging impact of the variant on protein function; specifically, the variant caused reduced copper bound holo-Fet3p activity in ccc2 mutant yeast and only partially rescued mutant yeast in complementation assay (Forbes_1998). A ClinVar submission from a clinical diagnostic laboratory (evaluation after 2014) cites the variant as pathogenic. Additionally, a different variant at the same nucleotide and codon position has been described as a common pathogenic variant associated with Wilson disease (c.2333G>T, p.Arg778Leu), especially in the Asian population, supporting the functional importance of this position. Based on the evidence outlined above, the variant was classified as pathogenic.

Juno Genomics, Hangzhou Juno Genomics, Inc
Classification: Pathogenic for Wilson disease. Review status: criteria provided, single submitter. Criteria: ACMG Guidelines, 2015. Collection method: clinical testing. Allele origin: germline.
Comment: Absent from controls (or at extremely low frequency if recessive) in Genome Aggregation Database.;Multiple lines of computational evidence support a deleterious effect on the gene or gene product.;For recessive disorders, detected in trans with a pathogenic variant.

Neuberg Centre For Genomic Medicine, NCGM
Classification: Pathogenic for Wilson disease. Review status: criteria provided, single submitter. Criteria: ACMG Guidelines, 2015. Collection method: clinical testing. Allele origin: germline. Inheritance: Autosomal recessive inheritance. Affected: yes.
Comment: The missense c.2333G>A (p.Arg778Gln) variant in ATP7B gene has been reported previously in multiple individuals affected with Wilson Disease (Wang et al., 2021; Aggarwal et al., 2013; Mukherjee et al., 2014). Experimental evidence indicate a damaging impact of the variant on protein function (Forbes and Cox, 1998).

Counsyl
Classification: Pathogenic for Wilson disease. Last evaluated: 2017-04-24. Review status: no assertion criteria provided. Collection method: clinical testing. Allele origin: unknown. Not counted in ClinVar's aggregate classification.

Literature cited by the submitters: PubMed 27022412 (cited by 8 submitters); PubMed 35220961 (cited by Natera, Inc. and Mayo Clinic Laboratories, Mayo Clinic); PubMed 11405812 (cited by 5 submitters); PubMed 20931554 (cited by 5 submitters); PubMed 21796144 (cited by 6 submitters); PubMed 9837819 (cited by 6 submitters); PubMed 10453196 (cited by Labcorp Genetics (formerly Invitae), Labcorp); PubMed 11243728 (cited by Labcorp Genetics (formerly Invitae), Labcorp); PubMed 11479773 (cited by Labcorp Genetics (formerly Invitae), Labcorp); PubMed 16998622 (cited by Labcorp Genetics (formerly Invitae), Labcorp); PubMed 17160357 (cited by Labcorp Genetics (formerly Invitae), Labcorp); PubMed 20517649 (cited by Labcorp Genetics (formerly Invitae), Labcorp); PubMed 21682854 (cited by Labcorp Genetics (formerly Invitae), Labcorp); PubMed 23333878 (cited by Labcorp Genetics (formerly Invitae), Labcorp); PubMed 23518715 (cited by Labcorp Genetics (formerly Invitae), Labcorp); PubMed 25086856 (cited by Labcorp Genetics (formerly Invitae), Labcorp); PubMed 25988284 (cited by Labcorp Genetics (formerly Invitae), Labcorp); PubMed 27398169 (cited by Labcorp Genetics (formerly Invitae), Labcorp); PubMed 28212618 (cited by 4 submitters); PubMed 7626145 (cited by 3billion); PubMed 8782057 (cited by 6 submitters); PubMed 11043508 (cited by 4 submitters); PubMed 17587212 (cited by 5 submitters); PubMed 17949296 (cited by 4 submitters); PubMed 23235335 (cited by 4 submitters); PubMed 24094725 (cited by 3 submitters); PubMed 24878384 (cited by 4 submitters); PubMed 30366773 (cited by Mayo Clinic Laboratories, Mayo Clinic); PubMed 30655162 (cited by Mayo Clinic Laboratories, Mayo Clinic); PubMed 34400371 (cited by Mayo Clinic Laboratories, Mayo Clinic); PubMed 35193651 (cited by Mayo Clinic Laboratories, Mayo Clinic); PubMed 35578211 (cited by Mayo Clinic Laboratories, Mayo Clinic); PubMed 27982432 (cited by Women's Health and Genetics/Laboratory Corporation of America, LabCorp).